The following is an entry in ClinVar:

ClinVar aggregate classification (germline): Uncertain significance. Review status: criteria provided, multiple submitters, no conflicts (2 of 4 stars). 4 submissions from 4 submitters: Uncertain significance (3). 1 of the submissions does not count toward it. Last evaluated 2025-07-14.

Conditions:
Inborn genetic diseases. Identifiers: MedGen C0950123, MeSH D030342.
TRPM1-related disorder. Also called: TRPM1-related condition.

Allele frequency attached by ClinVar (database versions not stated): gnomAD exomes 0.00005; ExAC 0.00006; ESP Exome Variant Server 0.00008; gnomAD 0.00009 and 0.00011; TOPMed 0.00010.

Submissions (4):

Labcorp Genetics (formerly Invitae), Labcorp
Classification: Uncertain significance. Last evaluated: 2025-07-14. Review status: criteria provided, single submitter. Criteria: Invitae Variant Classification Sherloc (09022015). Collection method: clinical testing. Allele origin: germline.
Comment: This sequence change replaces threonine, which is neutral and polar, with methionine, which is neutral and non-polar, at codon 408 of the TRPM1 protein (p.Thr408Met). This variant is present in population databases (rs377213586, gnomAD 0.02%). This variant has not been reported in the literature in individuals affected with TRPM1-related conditions. ClinVar contains an entry for this variant (Variation ID: 942940). Invitae Evidence Modeling of protein sequence and biophysical properties (such as structural, functional, and spatial information, amino acid conservation, physicochemical variation, residue mobility, and thermodynamic stability) indicates that this missense variant is not expected to disrupt TRPM1 protein function with a negative predictive value of 95%. In summary, the available evidence is currently insufficient to determine the role of this variant in disease. Therefore, it has been classified as a Variant of Uncertain Significance.

Ambry Genetics
Classification: Uncertain significance for Inborn genetic diseases. Last evaluated: 2024-01-19. Review status: criteria provided, single submitter. Criteria: Ambry Variant Classification Scheme 2023. Collection method: clinical testing. Allele origin: germline.

Blueprint Genetics
Classification: Uncertain significance. Last evaluated: 2022-06-24. Review status: criteria provided, single submitter. Criteria: ACMG Guidelines, 2015. Collection method: clinical testing. Allele origin: germline.

PreventionGenetics, part of Exact Sciences
Classification: Uncertain significance for TRPM1-related condition. Last evaluated: 2024-01-10. Review status: no assertion criteria provided. Collection method: clinical testing. Allele origin: germline. Not counted in ClinVar's aggregate classification.
Comment: The TRPM1 c.1340C>T variant is predicted to result in the amino acid substitution p.Thr447Met. To our knowledge, this variant has not been reported in the literature. This variant is reported in 0.020% of alleles in individuals of East Asian descent in gnomAD. At this time, the clinical significance of this variant is uncertain due to the absence of conclusive functional and genetic evidence.

NM_001252024.2(TRPM1):c.1289C>T (p.Thr430Met)

Gene: TRPM1 (transient receptor potential cation channel subfamily M member 1; minus strand). Cytogenetic location: 15q13.3.
Variant type: single nucleotide variant.
Coding change: c.1289C>T on transcript NM_001252024.2 (MANE Select); coding-DNA position 1289, C replaced by T.
Protein change: p.Thr430Met; replaces threonine 430 with methionine.
Molecular consequence: missense variant.
Genome position (GRCh38, 1-based): chr15:31,050,557, G>A on the plus strand (C>T on the coding strand, the complement: TRPM1 is on the minus strand). VCF-style: chr15-31050557-G-A. GRCh37 (hg19) VCF-style: chr15-31342760-G-A.
Other names: c.1340C>T, p.Thr447Met (NM_001252020.2); c.1223C>T, p.Thr408Met (NM_002420.6); c.1340C>T (NM_001252020.1); c.1223C>T (NM_002420.4); short protein forms T408M, T430M, T447M.
Identifiers: ClinVar variation 942940 (VCV000942940.11), dbSNP rs377213586, ClinGen allele CA7452603.